The following is an entry in ClinVar:

ClinVar aggregate classification (germline): Uncertain significance. Review status: criteria provided, multiple submitters, no conflicts (2 of 4 stars). 2 submissions from 2 submitters: Uncertain significance (2). Last evaluated 2025-08-27.

Allele frequency attached by ClinVar (database versions not stated): gnomAD 0.00001; TOPMed 0.00001.
gnomAD v4.1: 2 of 1,613,118 alleles (0.00012%); highest among the groups gnomAD compares: African/African-American, 0.0013%; no homozygotes.

Submissions (2):

Labcorp Genetics (formerly Invitae), Labcorp
Classification: Uncertain significance. Last evaluated: 2025-08-27. Review status: criteria provided, single submitter. Criteria: Invitae Variant Classification Sherloc (09022015). Collection method: clinical testing. Allele origin: germline.
Comment: This sequence change replaces alanine, which is neutral and non-polar, with threonine, which is neutral and polar, at codon 149 of the RGS6 protein (p.Ala149Thr). This variant is not present in population databases (gnomAD no frequency). This variant has not been reported in the literature in individuals affected with RGS6-related conditions. ClinVar contains an entry for this variant (Variation ID: 2374048). An algorithm developed to predict the effect of missense changes on protein structure and function (PolyPhen-2) suggests that this variant is likely to be tolerated. In summary, the available evidence is currently insufficient to determine the role of this variant in disease. Therefore, it has been classified as a Variant of Uncertain Significance.

Ambry Genetics
Classification: Uncertain significance. Last evaluated: 2022-04-13. Review status: criteria provided, single submitter. Criteria: Ambry Variant Classification Scheme 2023. Collection method: clinical testing. Allele origin: germline.

NM_001204424.2(RGS6):c.445G>A (p.Ala149Thr)

Gene: RGS6 (regulator of G protein signaling 6; plus strand). Cytogenetic location: 14q24.2.
Variant type: single nucleotide variant.
Coding change: c.445G>A on transcript NM_001204424.2 (MANE Select); coding-DNA position 445, G replaced by A.
Protein change: p.Ala149Thr; replaces alanine 149 with threonine.
Molecular consequence: missense variant. On other transcripts: non-coding transcript variant (1).
Genome position (GRCh38, 1-based): chr14:72,465,808, G>A. VCF-style: chr14-72465808-G-A. GRCh37 (hg19) VCF-style: chr14-72932516-G-A.
Other names: c.445G>A, p.Ala149Thr (NM_001370270.1, NM_001370271.1, NM_001370272.1 and 29 more transcripts); c.340G>A, p.Ala114Thr (NM_001204423.2); short protein forms A149T, A114T.
Identifiers: ClinVar variation 2374048 (VCV002374048.5), dbSNP rs2095895027, ClinGen allele CA390282609.
Genomic context (GRCh38, chr14:72,465,808, plus strand): 5'-CTTCCCTCAGCCATCTATCTCTGTAAGAGGACAATGCAAAATAAAGCAAGGCTGGAACTG[G>A]CAGATTATGAAGCAGTAAGTATGATTATTTTCCAGGATACATATAAGAAGAGAGTAAAAT-3'
Protein context (NP_001191353.1, residues 139-159): TMQNKARLEL[Ala149Thr]DYEAENLARL